The following is an entry in ClinVar:

ClinVar aggregate classification (germline): Pathogenic/Likely pathogenic. Review status: criteria provided, multiple submitters, no conflicts (2 of 4 stars). 2 submissions from 2 submitters: Pathogenic (1); Likely pathogenic (1). Last evaluated 2024-01-31.

Conditions:
Intellectual developmental disorder with dysmorphic facies and behavioral abnormalities. Identifiers: MedGen C4748135, MONDO:0060760, OMIM 618089.

gnomAD v4.1: 1 of 1,519,046 alleles (0.000066%); no homozygotes.

Submissions (2):

Institute of Human Genetics, University of Leipzig Medical Center
Classification: Likely pathogenic for Intellectual developmental disorder with dysmorphic facies and behavioral abnormalities. Last evaluated: 2024-01-31. Review status: criteria provided, single submitter. Criteria: ACMG Guidelines, 2015. Collection method: clinical testing. Allele origin: paternal. Inheritance: Autosomal dominant inheritance. Affected: yes.
Comment: Criteria applied: PVS1_STR,PS4_SUP,PM2_SUP

Labcorp Genetics (formerly Invitae), Labcorp
Classification: Pathogenic. Last evaluated: 2022-07-06. Review status: criteria provided, single submitter. Criteria: Invitae Variant Classification Sherloc (09022015). Collection method: clinical testing. Allele origin: germline.
Comment: This variant has not been reported in the literature in individuals affected with FBXO11-related conditions. This variant is not present in population databases (gnomAD no frequency). This sequence change creates a premature translational stop signal (p.Arg13*) in the FBXO11 gene. It is expected to result in an absent or disrupted protein product. Loss-of-function variants in FBXO11 are known to be pathogenic (PMID: 30057029, 30679813). For these reasons, this variant has been classified as Pathogenic. Algorithms developed to predict the effect of sequence changes on RNA splicing suggest that this variant may create or strengthen a splice site. ClinVar contains an entry for this variant (Variation ID: 1459381).

Literature cited by the submitters: PubMed 30057029 (cited by Labcorp Genetics (formerly Invitae), Labcorp); PubMed 30679813 (cited by Labcorp Genetics (formerly Invitae), Labcorp).

NM_001190274.2(FBXO11):c.37C>T (p.Arg13Ter)

Genes: FBXO11 (F-box protein 11; minus strand), LOC100506235 (uncharacterized LOC100506235; plus strand). Cytogenetic location: 2p16.3.
Variant type: single nucleotide variant.
Coding change: c.37C>T on transcript NM_001190274.2 (MANE Select); coding-DNA position 37, C replaced by T.
Protein change: p.Arg13Ter; replaces arginine 13 with a stop codon.
Molecular consequence: nonsense.
Genome position (GRCh38, 1-based): chr2:47,905,684, G>A on the plus strand (C>T on the coding strand, the complement: FBXO11 is on the minus strand). VCF-style: chr2-47905684-G-A. GRCh37 (hg19) VCF-style: chr2-48132823-G-A.
Other names: short protein forms R13*.
Identifiers: ClinVar variation 1459381 (VCV001459381.7), dbSNP rs1233367010, ClinGen allele CA346813093.